The following is an entry in ClinVar:

ClinVar aggregate classification (germline): Uncertain significance (1 of 4 stars; one submission).

Allele frequency attached by ClinVar (database versions not stated): gnomAD 0.00001; gnomAD exomes 0.00001; TOPMed 0.00002.
gnomAD v4.1: 16 of 1,612,172 alleles (0.00099%); highest among the groups gnomAD compares: African/African-American, 0.015%; no homozygotes.

Submission:

Labcorp Genetics (formerly Invitae), Labcorp
Classification: Uncertain significance. Last evaluated: 2022-04-06. Review status: criteria provided, single submitter. Criteria: Invitae Variant Classification Sherloc (09022015). Collection method: clinical testing. Allele origin: germline.
Comment: This sequence change replaces valine, which is neutral and non-polar, with alanine, which is neutral and non-polar, at codon 152 of the MPDZ protein (p.Val152Ala). This variant is present in population databases (no rsID available, gnomAD 0.007%). This variant has not been reported in the literature in individuals affected with MPDZ-related conditions. Algorithms developed to predict the effect of missense changes on protein structure and function (SIFT, PolyPhen-2, Align-GVGD) all suggest that this variant is likely to be disruptive. In summary, the available evidence is currently insufficient to determine the role of this variant in disease. Therefore, it has been classified as a Variant of Uncertain Significance.

NM_001378778.1(MPDZ):c.455T>C (p.Val152Ala)

Gene: MPDZ (multiple PDZ domain crumbs cell polarity complex component; minus strand). Cytogenetic location: 9p23.
Variant type: single nucleotide variant.
Coding change: c.455T>C on transcript NM_001378778.1 (MANE Select); coding-DNA position 455, T replaced by C.
Protein change: p.Val152Ala; replaces valine 152 with alanine.
Molecular consequence: missense variant.
Genome position (GRCh38, 1-based): chr9:13,223,649, A>G on the plus strand (T>C on the coding strand, the complement: MPDZ is on the minus strand). VCF-style: chr9-13223649-A-G. GRCh37 (hg19) VCF-style: chr9-13223648-A-G.
Other names: c.455T>C, p.Val152Ala (NM_001261406.2, NM_001261407.2, NM_001330637.2 and 14 more transcripts); short protein forms V152A.
Identifiers: ClinVar variation 2421787 (VCV002421787.1), dbSNP rs907898183, ClinGen allele CA189326063.